The following is an entry in ClinVar:

NM_000117.3(EMD):c.206G>A (p.Gly69Glu)

Gene: EMD (emerin; plus strand). Cytogenetic location: Xq28.
Variant type: single nucleotide variant.
Coding change: c.206G>A on transcript NM_000117.3 (MANE Select); coding-DNA position 206, G replaced by A.
Protein change: p.Gly69Glu; replaces glycine 69 with glutamic acid.
Molecular consequence: missense variant.
Genome position (GRCh38, 1-based): chrX:154,379,960, G>A. VCF-style: chrX-154379960-G-A. GRCh37 (hg19) VCF-style: chrX-153608320-G-A.
Other names: short protein forms G69E.
Identifiers: ClinVar variation 2084314 (VCV002084314.5), dbSNP rs782578669, ClinGen allele CA415257623.

ClinVar aggregate classification (germline): Uncertain significance. Review status: criteria provided, multiple submitters, no conflicts (2 of 4 stars). 3 submissions from 3 submitters: Uncertain significance (3). Last evaluated 2025-09-22.

Conditions:
X-linked Emery-Dreifuss muscular dystrophy. Also called: Muscular dystrophy, tardive Emery-Dreifuss type, with contractures. Identifiers: Orphanet 261, Orphanet 98863, MedGen C0751337, MONDO:0010680.
Cardiovascular phenotype. Identifiers: MedGen CN230736.

Allele frequency attached by ClinVar (database versions not stated): gnomAD 0.00002; TOPMed 0.00002.
gnomAD v4.1: 3 of 1,209,395 alleles (0.00025%); highest among the groups gnomAD compares: Admixed American, 0.0044%; no homozygotes.

Submissions (3):

Labcorp Genetics (formerly Invitae), Labcorp
Classification: Uncertain significance for X-linked Emery-Dreifuss muscular dystrophy. Last evaluated: 2025-09-22. Review status: criteria provided, single submitter. Criteria: Invitae Variant Classification Sherloc (09022015). Collection method: clinical testing. Allele origin: germline.
Comment: This sequence change replaces glycine, which is neutral and non-polar, with glutamic acid, which is acidic and polar, at codon 69 of the EMD protein (p.Gly69Glu). This variant is present in population databases (no rsID available, gnomAD no frequency). This variant has not been reported in the literature in individuals affected with EMD-related conditions. ClinVar contains an entry for this variant (Variation ID: 2084314). Invitae Evidence Modeling of protein sequence and biophysical properties (such as structural, functional, and spatial information, amino acid conservation, physicochemical variation, residue mobility, and thermodynamic stability) indicates that this missense variant is not expected to disrupt EMD protein function with a negative predictive value of 80%. In summary, the available evidence is currently insufficient to determine the role of this variant in disease. Therefore, it has been classified as a Variant of Uncertain Significance.

Athena Diagnostics
Classification: Uncertain significance. Last evaluated: 2025-01-03. Review status: criteria provided, single submitter. Criteria: Athena Diagnostics Criteria. Collection method: clinical testing. Allele origin: unknown.
Comment: Available data are insufficient to determine the clinical significance of the variant at this time. The frequency of this variant in the general population is uninformative in assessment of its pathogenicity. Polyphen and MutationTaster predict this amino acid change may be benign.

Ambry Genetics
Classification: Uncertain significance for Cardiovascular phenotype. Last evaluated: 2023-03-31. Review status: criteria provided, single submitter. Criteria: Ambry Variant Classification Scheme 2023. Collection method: clinical testing. Allele origin: germline.
Comment: The p.G69E variant (also known as c.206G>A), located in coding exon 3 of the EMD gene, results from a G to A substitution at nucleotide position 206. The glycine at codon 69 is replaced by glutamic acid, an amino acid with similar properties. Based on data from gnomAD, the A allele has an overall frequency of 0.0005% (1/183408) total alleles studied, with no hemizygotes observed. This amino acid position is poorly conserved in available vertebrate species. In addition, this alteration is predicted to be tolerated by in silico analysis. Since supporting evidence is limited at this time, the clinical significance of this alteration remains unclear.